The following is an entry in ClinVar:

NM_004415.4(DSP):c.4336del (p.Gln1446fs)

Gene: DSP (desmoplakin; plus strand). Cytogenetic location: 6p24.3.
Variant type: Deletion.
Coding change: c.4336del on transcript NM_004415.4 (MANE Select); coding-DNA position 4336, one base deleted (C; older notation c.4336delC).
Protein change: p.Gln1446fs; shifts the reading frame from glutamine 1446.
Molecular consequence: frameshift variant. On other transcripts: intron variant (2).
Genome position (GRCh38, 1-based): chr6:7,580,526, C deleted. VCF-style (leftmost placement, unchanged base first): chr6-7580525-GC-G. GRCh37 (hg19) VCF-style: chr6-7580758-GC-G.
Other names: c.4050+286del (NM_001319034.2); c.3582+754del (NM_001008844.3); short protein forms Q1446fs.
Identifiers: ClinVar variation 3386678 (VCV003386678.1).

ClinVar aggregate classification (germline): Pathogenic (1 of 4 stars; one submission).

Conditions:
Arrhythmogenic cardiomyopathy with wooly hair and keratoderma. Also called: Carvajal syndrome; PALMOPLANTAR KERATODERMA WITH LEFT VENTRICULAR CARDIOMYOPATHY AND WOOLLY HAIR; Dilated cardiomyopathy with woolly hair and keratoderma; Arrhythmogenic cardiomyopathy with woolly hair and keratoderma. Identifiers: Orphanet 65282, MedGen C1854063, MONDO:0011581, OMIM 605676.

Submission:

All of Us Research Program, National Institutes of Health
Classification: Pathogenic for Arrhythmogenic cardiomyopathy with wooly hair and keratoderma. Last evaluated: 2024-08-30. Review status: criteria provided, single submitter. Criteria: ACMG Guidelines, 2015. Collection method: clinical testing. Allele origin: germline. Inheritance: Autosomal dominant inheritance. Observed: 1 variant allele, 1 heterozygote.
Comment: This variant deletes 1 nucleotide in exon 23 of the DSP gene, creating a frameshift and premature translation stop signal. This variant is expected to result in an absent or non-functional protein product. To our knowledge, this variant has not been reported in individuals affected with DSP-related disorders in the literature. This variant has not been identified in the general population by the Genome Aggregation Database (gnomAD). Loss of DSP function is a known mechanism of disease. Based on the available evidence, this variant is classified as Pathogenic.

This study involves interpretation of variants in research participants for the purpose of population health screening. Participant phenotype was not available at the time of variant classification. Additional details can be found in publication PMID: 35346344, PMCID: PMC8962531